The following is an entry in ClinVar:

ClinVar aggregate classification (germline): Uncertain significance (1 of 4 stars; one submission).

Conditions:
Fabry disease. Also called: CERAMIDE TRIHEXOSIDASE DEFICIENCY; GLA DEFICIENCY; HEREDITARY DYSTOPIC LIPIDOSIS; Fabry's disease; ALPHA-GALACTOSIDASE A DEFICIENCY; ANDERSON-FABRY DISEASE. Identifiers: Orphanet 324, MedGen C0002986, MONDO:0010526, OMIM 301500, HP:0001071. Disease mechanism: Fabry disease is due to inactivating mutations in the X-linked GLA gene resulting in deficiency of the enzyme Alpha Galactosidase-A., loss of function.

gnomAD v4.1: 1 of 1,210,421 alleles (0.000083%); highest among the groups gnomAD compares: African/African-American, 0.0017%; no homozygotes.

Submission:

Labcorp Genetics (formerly Invitae), Labcorp
Classification: Uncertain significance for Fabry disease. Last evaluated: 2022-12-04. Review status: criteria provided, single submitter. Criteria: Invitae Variant Classification Sherloc (09022015). Collection method: clinical testing. Allele origin: germline.
Comment: This variant disrupts the p.Leu166 amino acid residue in GLA. Other variant(s) that disrupt this residue have been determined to be pathogenic (PMID: 7759078, 16595074, 17555407; Invitae). This suggests that this residue is clinically significant, and that variants that disrupt this residue are likely to be disease-causing. In summary, the available evidence is currently insufficient to determine the role of this variant in disease. Therefore, it has been classified as a Variant of Uncertain Significance. This sequence change replaces leucine, which is neutral and non-polar, with methionine, which is neutral and non-polar, at codon 166 of the GLA protein (p.Leu166Met). This variant is not present in population databases (gnomAD no frequency). This missense change has been observed in individual(s) with a positive newborn screening result for GLA-related disease (Invitae). ClinVar contains an entry for this variant (Variation ID: 1434330). Advanced modeling of protein sequence and biophysical properties (such as structural, functional, and spatial information, amino acid conservation, physicochemical variation, residue mobility, and thermodynamic stability) performed at Invitae indicates that this missense variant is not expected to disrupt GLA protein function. Algorithms developed to predict the effect of sequence changes on RNA splicing suggest that this variant may create or strengthen a splice site.

Literature cited by the submitters: PubMed 7759078; PubMed 16595074; PubMed 17555407.

NM_000169.3(GLA):c.496C>A (p.Leu166Met)

Genes: GLA (galactosidase alpha; minus strand), RPL36A-HNRNPH2 (RPL36A-HNRNPH2 readthrough; plus strand). Cytogenetic location: Xq22.1.
Variant type: single nucleotide variant.
Coding change: c.496C>A on transcript NM_000169.3 (MANE Select); coding-DNA position 496, C replaced by A.
Protein change: p.Leu166Met; replaces leucine 166 with methionine.
Molecular consequence: missense variant. On other transcripts: non-coding transcript variant (3), intron variant (2).
Genome position (GRCh38, 1-based): chrX:101,401,683, G>T on the plus strand (C>A on the coding strand, the complement: GLA is on the minus strand). VCF-style: chrX-101401683-G-T. GRCh37 (hg19) VCF-style: chrX-100656671-G-T.
Other names: c.619C>A, p.Leu207Met (NM_001406749.1, NM_001406747.1); c.300+6226G>T (NM_001199973.2); c.177+9861G>T (NM_001199974.2); c.496C>A, p.Leu166Met (NM_001406748.1); short protein forms L166M, L207M.
Identifiers: ClinVar variation 1434330 (VCV001434330.6), dbSNP rs1928320069, ClinGen allele CA413929054.